The following is an entry in ClinVar:

ClinVar aggregate classification (germline): Uncertain significance (1 of 4 stars; one submission).

Allele frequency attached by ClinVar (database versions not stated): ExAC 0.00003; gnomAD 0.00003; gnomAD exomes 0.00003.
gnomAD v4.1: 49 of 1,614,020 alleles (0.003%); highest among the groups gnomAD compares: South Asian, 0.048%; 1 homozygote.

Submission:

Labcorp Genetics (formerly Invitae), Labcorp
Classification: Uncertain significance. Last evaluated: 2025-05-11. Review status: criteria provided, single submitter. Criteria: Invitae Variant Classification Sherloc (09022015). Collection method: clinical testing. Allele origin: germline.
Comment: This sequence change replaces aspartic acid, which is acidic and polar, with asparagine, which is neutral and polar, at codon 963 of the LRP5 protein (p.Asp963Asn). This variant is present in population databases (rs780945547, gnomAD 0.03%). This variant has not been reported in the literature in individuals affected with LRP5-related conditions. ClinVar contains an entry for this variant (Variation ID: 1952481). Invitae Evidence Modeling of protein sequence and biophysical properties (such as structural, functional, and spatial information, amino acid conservation, physicochemical variation, residue mobility, and thermodynamic stability) indicates that this missense variant is not expected to disrupt LRP5 protein function with a negative predictive value of 95%. In summary, the available evidence is currently insufficient to determine the role of this variant in disease. Therefore, it has been classified as a Variant of Uncertain Significance.

NM_002335.4(LRP5):c.2887G>A (p.Asp963Asn)

Gene: LRP5 (LDL receptor related protein 5; plus strand). Cytogenetic location: 11q13.2.
Variant type: single nucleotide variant.
Coding change: c.2887G>A on transcript NM_002335.4 (MANE Select); coding-DNA position 2887, G replaced by A.
Protein change: p.Asp963Asn; replaces aspartic acid 963 with asparagine.
Molecular consequence: missense variant.
Genome position (GRCh38, 1-based): chr11:68,416,387, G>A. VCF-style: chr11-68416387-G-A. GRCh37 (hg19) VCF-style: chr11-68183855-G-A.
Other names: c.1144G>A, p.Asp382Asn (NM_001291902.2); short protein forms D963N, D382N.
Identifiers: ClinVar variation 1952481 (VCV001952481.5), dbSNP rs780945547, ClinGen allele CA6149785.